The following is an entry in ClinVar:

NM_001377265.1(MAPT):c.1549G>A (p.Val517Ile)

Gene: MAPT (microtubule associated protein tau). Cytogenetic location: 17q21.31.
Variant type: single nucleotide variant.
Coding change: c.1549G>A on transcript NM_001377265.1 (MANE Select); coding-DNA position 1549, G replaced by A.
Protein change: p.Val517Ile; replaces valine 517 with isoleucine.
Molecular consequence: missense variant. On other transcripts: intron variant (9).
Genome position (GRCh38, 1-based): chr17:45,990,019, G>A. VCF-style: chr17-45990019-G-A. GRCh37 (hg19) VCF-style: chr17-44067385-G-A.
Other names: c.1324G>A, p.Val442Ile (NM_001123066.4, NM_016835.5); c.256-1441G>A (NM_001377268.1, NM_016834.5, NM_016841.5); c.430-1441G>A (NM_005910.6, NM_001203252.2); c.1408-1441G>A (NM_001377266.1); c.343-1441G>A (NM_001123067.4, NM_001203251.2, NM_001377267.1); short protein forms V442I, V517I.
Identifiers: ClinVar variation 3377718 (VCV003377718.1).

ClinVar aggregate classification (germline): Uncertain significance (1 of 4 stars; one submission).

Conditions:
Parkinson disease, late-onset (PD). Also called: PARKINSON DISEASE, LATE-ONSET, SUSCEPTIBILITY TO; Susceptibility to Parkinson's Disease; Hereditary late onset Parkinson disease. Identifiers: Orphanet 411602, MedGen C3160718, MONDO:0008199, OMIM 168600.

Submission:

Neuberg Centre For Genomic Medicine, NCGM
Classification: Uncertain significance for Parkinson disease, late-onset. Review status: criteria provided, single submitter. Criteria: ACMG Guidelines, 2015. Collection method: clinical testing. Allele origin: germline. Inheritance: Autosomal dominant inheritance. Affected: yes.
Comment: The observed missense c.1549G>A (p.Val517Ile) variant in MAPT gene has not been reported previously as a pathogenic variant nor as a benign variant, to our knowledge. The p.Val517Ile variant is present with allele frequency of 0.00% in gnomAD Exomes. This variant has not been submitted to the ClinVar database. Computational evidence (Polyphen - Probably Damaging, SIFT - Tolerated and MutationTaster - Disease causing) predicts conflicting evidence on protein structure and function for this variant. The reference amino acid of p.Val517Ile in MAPT is predicted as conserved by GERP++ and PhyloP across 100 vertebrates. The amino acid Val at position 517 is changed to a Ile changing protein sequence and it might alter its composition and physico-chemical properties. For these reasons, this variant has been classified as a Variant of Uncertain Significance (VUS).